The following is an entry in ClinVar:

NM_000709.4(BCKDHA):c.347A>G (p.Asp116Gly)

Gene: BCKDHA (branched chain keto acid dehydrogenase E1 subunit alpha; plus strand). Cytogenetic location: 19q13.2.
Variant type: single nucleotide variant.
Coding change: c.347A>G on transcript NM_000709.4 (MANE Select); coding-DNA position 347, A replaced by G.
Protein change: p.Asp116Gly; replaces aspartic acid 116 with glycine.
Molecular consequence: missense variant.
Genome position (GRCh38, 1-based): chr19:41,410,981, A>G. VCF-style: chr19-41410981-A-G. GRCh37 (hg19) VCF-style: chr19-41916886-A-G.
Other names: c.347A>G, p.Asp116Gly (NM_001164783.2); short protein forms D116G.
Identifiers: ClinVar variation 93354 (VCV000093354.14), dbSNP rs398123498, ClinGen allele CA221196.
Genomic context (GRCh38, chr19:41,410,981, plus strand): 5'-AGCTGCCGAAGGAGAAGGTGCTGAAGCTCTACAAGAGCATGACACTGCTTAACACCATGG[A>G]CCGCATCCTCTATGAGTCTCAGCGGCAGGTGCGTGGGGACAGGACTAGGGGCGGGGGGCT-3'
Protein context (NP_000700.1, residues 106-126): YKSMTLLNTM[Asp116Gly]RILYESQRQG

ClinVar aggregate classification (germline): Conflicting classifications of pathogenicity. Review status: criteria provided, conflicting classifications (1 of 4 stars). 5 submissions from 5 submitters: Likely pathogenic (3); Uncertain significance (1). 1 of the submissions does not count toward it. Last evaluated 2024-03-17.

Conditions:
Maple syrup urine disease type 1A (MSUD1A). Also called: MSUD type 1A. Identifiers: MedGen C1855369, MONDO:0023691, OMIM 248600.
Maple syrup urine disease (MSUD). Identifiers: Orphanet 511, MedGen C0024776, MeSH D008375, MONDO:0009563. Disease mechanism: loss of function.

Submissions (5):

Genomic Medicine Center of Excellence, King Faisal Specialist Hospital and Research Centre
Classification: Likely pathogenic for Maple syrup urine disease type 1A. Last evaluated: 2024-03-17. Review status: criteria provided, single submitter. Criteria: ACMG Guidelines, 2015. Collection method: research. Allele origin: germline.

Genome-Nilou Lab
Classification: Likely pathogenic for Maple syrup urine disease type 1A. Last evaluated: 2021-11-07. Review status: criteria provided, single submitter. Criteria: ACMG Guidelines, 2015. Collection method: clinical testing. Allele origin: germline. Affected: no.

GeneDx
Classification: Likely pathogenic. Last evaluated: 2020-06-05. Review status: criteria provided, single submitter. Criteria: GeneDx Variant Classification Process June 2021. Collection method: clinical testing. Allele origin: germline. Affected: yes.
Comment: Reported previously in association with maple syrup urine disease (Alfadhel et al., 2016; Imtiaz et al., 2017; Monies et al., 2017); The majority of missense variants in this gene are considered pathogenic (Stenson et al., 2014); Not observed in large population cohorts (Lek et al., 2016); In silico analysis supports that this missense variant has a deleterious effect on protein structure/function; This variant is associated with the following publications: (PMID: 29789446, 27629047, 28600779, 28417071, 31523617)

Eurofins Ntd Llc (ga)
Classification: Uncertain significance. Last evaluated: 2012-08-08. Review status: criteria provided, single submitter. Criteria: EGL Classification Definitions 2015. Collection method: clinical testing. Allele origin: germline. Observed: 1 variant allele, 1 homozygote.

Biochemical Molecular Genetic Laboratory, King Abdulaziz Medical City
Classification: Pathogenic for Maple syrup urine disease type 1A. Last evaluated: 2020-05-06. Review status: no assertion criteria provided. Collection method: clinical testing. Allele origin: germline. Affected: yes. Not counted in ClinVar's aggregate classification.